The following is an entry in ClinVar:

NM_022124.6(CDH23):c.3226G>A (p.Gly1076Ser)

Genes: C10orf105 (chromosome 10 open reading frame 105; minus strand), CDH23 (cadherin related 23; plus strand). Cytogenetic location: 10q22.1.
Variant type: single nucleotide variant.
Coding change: c.3226G>A on transcript NM_022124.6 (MANE Select); coding-DNA position 3226, G replaced by A.
Protein change: p.Gly1076Ser; replaces glycine 1076 with serine.
Molecular consequence: missense variant. On other transcripts: 3 prime UTR variant (2).
Genome position (GRCh38, 1-based): chr10:71,712,670, G>A. VCF-style: chr10-71712670-G-A. GRCh37 (hg19) VCF-style: chr10-73472427-G-A.
Other names: c.*3266C>T (NM_001164375.3, NM_001168390.2); c.3226G>A, p.Gly1076Ser (NM_001171930.2); short protein forms G1076S.
Identifiers: ClinVar variation 2188393 (VCV002188393.5), dbSNP rs1368702540, ClinGen allele CA377143963.

ClinVar aggregate classification (germline): Uncertain significance. Review status: criteria provided, multiple submitters, no conflicts (2 of 4 stars). 2 submissions from 2 submitters: Uncertain significance (2). Last evaluated 2022-08-11.

gnomAD v4.1: 8 of 1,613,362 alleles (0.0005%); highest among the groups gnomAD compares: South Asian, 0.0011%; no homozygotes.

Submissions (2):

Blueprint Genetics
Classification: Uncertain significance. Last evaluated: 2022-08-11. Review status: criteria provided, single submitter. Criteria: ACMG Guidelines, 2015. Collection method: clinical testing. Allele origin: germline.

Labcorp Genetics (formerly Invitae), Labcorp
Classification: Uncertain significance. Last evaluated: 2022-07-30. Review status: criteria provided, single submitter. Criteria: Invitae Variant Classification Sherloc (09022015). Collection method: clinical testing. Allele origin: germline.
Comment: In summary, the available evidence is currently insufficient to determine the role of this variant in disease. Therefore, it has been classified as a Variant of Uncertain Significance. Algorithms developed to predict the effect of missense changes on protein structure and function are either unavailable or do not agree on the potential impact of this missense change (SIFT: "Deleterious"; PolyPhen-2: "Not Available"; Align-GVGD: "Class C55"). This variant has not been reported in the literature in individuals affected with CDH23-related conditions. This variant is not present in population databases (gnomAD no frequency). This sequence change replaces glycine, which is neutral and non-polar, with serine, which is neutral and polar, at codon 1076 of the CDH23 protein (p.Gly1076Ser).